The following is an entry in ClinVar:

NM_001122630.2(CDKN1C):c.707C>T (p.Ser236Leu)

Gene: CDKN1C (cyclin dependent kinase inhibitor 1C; minus strand). Cytogenetic location: 11p15.4.
Variant type: single nucleotide variant.
Coding change: c.707C>T on transcript NM_001122630.2 (MANE Select); coding-DNA position 707, C replaced by T.
Protein change: p.Ser236Leu; replaces serine 236 with leucine.
Molecular consequence: missense variant. On other transcripts: intron variant (1).
Genome position (GRCh38, 1-based): chr11:2,884,750, G>A on the plus strand (C>T on the coding strand, the complement: CDKN1C is on the minus strand). VCF-style: chr11-2884750-G-A. GRCh37 (hg19) VCF-style: chr11-2905980-G-A.
Other names: c.740C>T, p.Ser247Leu (LRG_533t1, NM_000076.2, NM_001362474.2); c.707C>T, p.Ser236Leu (NM_001122631.2); c.255+452C>T (NM_001362475.2); short protein forms S247L, S236L.
Identifiers: ClinVar variation 404242 (VCV000404242.7), dbSNP rs104894200, ClinGen allele CA16613538.

ClinVar aggregate classification (germline): Uncertain significance (1 of 4 stars; one submission).

Conditions:
Beckwith-Wiedemann syndrome (BWS). Also called: EMG SYNDROME; Exomphalos macroglossia gigantism syndrome. Identifiers: Orphanet 116, MedGen C0004903, MONDO:0007534, OMIM 130650.

Submission:

Labcorp Genetics (formerly Invitae), Labcorp
Classification: Uncertain significance for Beckwith-Wiedemann syndrome. Last evaluated: 2022-11-25. Review status: criteria provided, single submitter. Criteria: Invitae Variant Classification Sherloc (09022015). Collection method: clinical testing. Allele origin: germline.
Comment: In summary, the available evidence is currently insufficient to determine the role of this variant in disease. Therefore, it has been classified as a Variant of Uncertain Significance. This sequence change replaces serine, which is neutral and polar, with leucine, which is neutral and non-polar, at codon 247 of the CDKN1C protein (p.Ser247Leu). Advanced modeling of protein sequence and biophysical properties (such as structural, functional, and spatial information, amino acid conservation, physicochemical variation, residue mobility, and thermodynamic stability) performed at Invitae indicates that this missense variant is not expected to disrupt CDKN1C protein function. ClinVar contains an entry for this variant (Variation ID: 404242). This variant has not been reported in the literature in individuals affected with CDKN1C-related conditions. This variant is not present in population databases (gnomAD no frequency).